The following is an entry in ClinVar:

ClinVar aggregate classification (germline): Pathogenic (1 of 4 stars; one submission).

Conditions:
Allan-Herndon-Dudley syndrome (AHDS). Also called: MENTAL RETARDATION AND MUSCULAR ATROPHY; T3 RESISTANCE; TRIIODOTHYRONINE RESISTANCE; ALLAN-HERNDON SYNDROME; Passos-Bueno syndrome. Identifiers: Orphanet 59, MedGen C0795889, MONDO:0010354, OMIM 300523.

Submission:

Baylor Genetics
Classification: Pathogenic for Allan-Herndon-Dudley syndrome. Last evaluated: 2018-07-19. Review status: criteria provided, single submitter. Criteria: ACMG Guidelines, 2015. Collection method: clinical testing. Allele origin: maternal. Affected: yes.
Comment: This variant was determined to be pathogenic according to ACMG Guidelines, 2015 [PMID:25741868].

NM_006517.5(SLC16A2):c.1070G>A (p.Trp357Ter)

Gene: SLC16A2 (solute carrier family 16 member 2; plus strand). Cytogenetic location: Xq13.2.
Variant type: single nucleotide variant.
Coding change: c.1070G>A on transcript NM_006517.5 (MANE Select); coding-DNA position 1070, G replaced by A.
Protein change: p.Trp357Ter; replaces tryptophan 357 with a stop codon.
Molecular consequence: nonsense.
Genome position (GRCh38, 1-based): chrX:74,525,793, G>A. VCF-style: chrX-74525793-G-A. GRCh37 (hg19) VCF-style: chrX-73745628-G-A.
Other names: short protein forms W357*.
Identifiers: ClinVar variation 1031649 (VCV001031649.1), dbSNP rs1380635081, ClinGen allele CA413657927.